The following is an entry in ClinVar:

NM_000465.4(BARD1):c.896del (p.Thr299fs)

Gene: BARD1 (BRCA1 associated RING domain 1; minus strand). Cytogenetic location: 2q35.
Variant type: Deletion.
Coding change: c.896del on transcript NM_000465.4 (MANE Select); coding-DNA position 896, one base deleted (C; older notation c.896delC).
Protein change: p.Thr299fs; shifts the reading frame from threonine 299.
Molecular consequence: frameshift variant. On other transcripts: non-coding transcript variant (2), intron variant (3).
Genome position (GRCh38, 1-based): chr2:214,780,978, G deleted on the plus strand (C on the coding strand, the reverse complement: BARD1 is on the minus strand). VCF-style (leftmost placement, unchanged base first): chr2-214780977-AG-A. GRCh37 (hg19) VCF-style: chr2-215645701-AG-A.
Other names: c.839del, p.Thr280fs (NM_001282543.2); c.159-28423del (NM_001282548.2); c.215+16083del (NM_001282545.2); c.364+11319del (NM_001282549.2); short protein forms T299fs, T280fs.
Identifiers: ClinVar variation 4732480 (VCV004732480.1).
Genomic context (GRCh38, chr2:214,780,977, plus strand): 5'-ATTATTTTCTAATGGCAAAGATTTCTTAGATGTAAGATAATTTTTGCAGACCTTCTCAGG[AG>A]TCACTACTTCATTCCTGCTCTTAGTGTCTGGAGACTCTATTTGCTCAGCCAATGGTAAAG-3'

ClinVar aggregate classification (germline): Pathogenic (1 of 4 stars; one submission).

Conditions:
Familial cancer of breast. Also called: hereditary breast carcinoma; BREAST CANCER, FAMILIAL; Hereditary breast cancer. Identifiers: Orphanet 227535, MedGen C0346153, MONDO:0016419, OMIM 114480. Disease mechanism: loss of function.

Submission:

Labcorp Genetics (formerly Invitae), Labcorp
Classification: Pathogenic for Familial cancer of breast. Last evaluated: 2025-12-03. Review status: criteria provided, single submitter. Criteria: Invitae Variant Classification Sherloc (09022015). Collection method: clinical testing. Allele origin: germline.
Comment: This sequence change creates a premature translational stop signal (p.Thr299Ilefs*18) in the BARD1 gene. It is expected to result in an absent or disrupted protein product. Loss-of-function variants in BARD1 are known to be pathogenic (PMID: 20077502, 21344236). This variant is not present in population databases (gnomAD no frequency). This variant has not been reported in the literature in individuals affected with BARD1-related conditions. For these reasons, this variant has been classified as Pathogenic.

Literature cited by the submitters: PubMed 20077502; PubMed 21344236.